The following is an entry in ClinVar:

NM_001130004.2(ACTN1):c.1356G>A (p.Glu452=)

Gene: ACTN1 (actinin alpha 1; minus strand). Cytogenetic location: 14q24.1.
Variant type: single nucleotide variant.
Coding change: c.1356G>A on transcript NM_001130004.2 (MANE Select); coding-DNA position 1356, G replaced by A.
Protein change: p.Glu452=; no amino-acid change (glutamic acid 452 retained).
Molecular consequence: synonymous variant.
Genome position (GRCh38, 1-based): chr14:68,885,454, C>T on the plus strand (G>A on the coding strand, the complement: ACTN1 is on the minus strand). VCF-style: chr14-68885454-C-T. GRCh37 (hg19) VCF-style: chr14-69352171-C-T.
Other names: c.1356G>A, p.Glu452= (NM_001102.4, NM_001130005.2).
Identifiers: ClinVar variation 708580 (VCV000708580.12), dbSNP rs149437344, ClinGen allele CA7242393.

ClinVar aggregate classification (germline): Benign/Likely benign. Review status: criteria provided, multiple submitters, no conflicts (2 of 4 stars). 3 submissions from 3 submitters: Benign (1); Likely benign (1). 1 of the submissions does not count toward it. Last evaluated 2025-12-17.

Conditions:
ACTN1-related disorder. Also called: ACTN1-related condition.

Allele frequency attached by ClinVar (database versions not stated): gnomAD exomes 0.00007 and 0.00010; ExAC 0.00012; ESP Exome Variant Server 0.00031; gnomAD 0.00055 and 0.00057; TOPMed 0.00063; 1000 Genomes Project 30x 0.00094; 1000 Genomes Project 0.00100.
gnomAD v4.1: 195 of 1,613,890 alleles (0.012%); highest among the groups gnomAD compares: African/African-American, 0.19%; 1 homozygote.

Submissions (3):

Labcorp Genetics (formerly Invitae), Labcorp
Classification: Benign. Last evaluated: 2025-12-17. Review status: criteria provided, single submitter. Criteria: Invitae Variant Classification Sherloc (09022015). Collection method: clinical testing. Allele origin: germline.

Blueprint Genetics
Classification: Likely benign. Last evaluated: 2024-06-27. Review status: criteria provided, single submitter. Criteria: ACMG Guidelines, 2015. Collection method: clinical testing. Allele origin: germline.

PreventionGenetics, part of Exact Sciences
Classification: Likely benign for ACTN1-related condition. Last evaluated: 2019-09-10. Review status: no assertion criteria provided. Collection method: clinical testing. Allele origin: germline. Not counted in ClinVar's aggregate classification.
Comment: This variant is classified as likely benign based on ACMG/AMP sequence variant interpretation guidelines (Richards et al. 2015 PMID: 25741868, with internal and published modifications).